The following is an entry in ClinVar:

NM_004963.4(GUCY2C):c.1605+3A>G

Gene: GUCY2C (guanylate cyclase 2C; minus strand). Cytogenetic location: 12p12.3.
Variant type: single nucleotide variant.
Coding change: c.1605+3A>G on transcript NM_004963.4 (MANE Select); 3 bases into the intron after coding-DNA position 1605, A replaced by G.
Molecular consequence: intron variant.
Genome position (GRCh38, 1-based): chr12:14,651,956, T>C on the plus strand (A>G on the coding strand, the complement: GUCY2C is on the minus strand). VCF-style: chr12-14651956-T-C. GRCh37 (hg19) VCF-style: chr12-14804890-T-C.
Identifiers: ClinVar variation 4807151 (VCV004807151.1).

ClinVar aggregate classification (germline): Uncertain significance (1 of 4 stars; one submission).

gnomAD v4.1: 1 of 1,516,796 alleles (0.000066%); highest among the groups gnomAD compares: Non-Finnish European, 0.000092%; no homozygotes.

Submission:

Labcorp Genetics (formerly Invitae), Labcorp
Classification: Uncertain significance. Last evaluated: 2025-10-03. Review status: criteria provided, single submitter. Criteria: Invitae Variant Classification Sherloc (09022015). Collection method: clinical testing. Allele origin: germline.
Comment: This sequence change falls in intron 14 of the GUCY2C gene. It does not directly change the encoded amino acid sequence of the GUCY2C protein. It affects a nucleotide within the consensus splice site. This variant is not present in population databases (gnomAD no frequency). This variant has not been reported in the literature in individuals affected with GUCY2C-related conditions. Variants that disrupt the consensus splice site are a relatively common cause of aberrant splicing (PMID: 17576681, 9536098). Algorithms developed to predict the effect of sequence changes on RNA splicing suggest that this variant may disrupt the consensus splice site. In summary, the available evidence is currently insufficient to determine the role of this variant in disease. Therefore, it has been classified as a Variant of Uncertain Significance.

Literature cited by the submitters: PubMed 17576681; PubMed 9536098.